The following is an entry in ClinVar:

NC_012920.1(MT-TL1):m.3258T>C

Gene: MT-TL1 (mitochondrially encoded tRNA leucine 1 (UUA/G); plus strand).
Variant type: single nucleotide variant.
Genome position: chrM-3258-T-C.
Identifiers: ClinVar variation 986454 (VCV000986454.3), dbSNP rs2521952299, ClinGen allele CA913169025.

ClinVar aggregate classification (germline): Likely pathogenic. Review status: reviewed by expert panel (3 of 4 stars). 3 submissions from 3 submitters: Likely pathogenic (1). 2 of the submissions do not count toward it. Last evaluated 2022-08-08.

Conditions:
Mitochondrial disease. Also called: Mitochondrial disorder; Mitochondrial disorders. Identifiers: Orphanet 68380, MedGen C0751651, MeSH D028361, MONDO:0044970.
Primary Mitochondrial Disorders. Identifiers: MedGen CN381104.

Submissions (3):

ClinGen Mitochondrial Disease Nuclear and Mitochondrial  Variant Curation Expert Panel, ClinGen
Classification: Likely pathogenic for Mitochondrial disease. Last evaluated: 2022-08-08. Review status: reviewed by expert panel. Criteria: clingen mito disease acmg specifications v1-1. Collection method: curation. Allele origin: germline. Inheritance: Mitochondrial inheritance.
Comment: The m.3258T>C variant in MT-TL1 has been reported in at least three probands to date. The first case report was a young adult with severe hyperlactatemia associated with mild exercise intolerance and mild lipidosis. This individual had a combined respiratory chain deficiency in liver with normal activities in muscle. The second case was a young adult with MELAS (mitochondrial encephalomyopathy, lactic acidosis, and stroke-like episodes) characterized by fatigue, acidosis, hyperCKemia, stroke-like episodes, and tonic clonic seizures; with ragged red fibers and COX negative fibers on muscle biopsy. The variant was present at 96% in muscle and 57% in blood (PMID: 12798797). The third case was younger at presentation with neurological involvement (ataxia, regression, myoclonic epilepsy) as well as decreased complex I and IV activities in muscle, increased lactate in blood and CSF, and a normal brain MRI. Heteroplasmy levels were not provided (PMID: 23847141). Haplogroup information was not reported for all cases however given the features and biochemistry reported in these cases, this Expert Panel agreed to consider them as a supporting line of evidence (PS4_supporting). The variant segregated with features of primary mitochondrial disease and unaffected status in three family members from one family. There is one occurrence of this variant in GenBank dataset, however this is from an individual with known mitochondrial disease. This variant is absent in gnomAD v3.1.2 and in Helix dataset therefore this variant is absent in healthy individuals (PM2_supporting). The computational predictor MitoTIP suggests this variant impacts the function of this tRNA with a score of 82.6%, as does HmtVar with a score of 0.8 (PP3). Single fiber analysis in muscle showed that the ragged red fiber had extremely high levels of variant (n = 7; 99.4% +/- 0.9%), whereas normal muscle fibers had significantly lower levels (n = 8; 90.1 +/- 5.1%; P < 0:05, Mann–Whitney’s U-test) (PS3_supporting, PMID: 12798797). In summary, this variant meets criteria to be classified as uncertain significance however, after extensive discussion, this Expert Panel elected to modify the classification to likely pathogenic given the evidence shown in single fibers studies for this variant and because the phenotype reported in these cases is consistent with mitochondrial tRNA-related diseases. This classification was approved by the NICHD/NINDS U24 Mitochondrial Disease Variant Curation Expert Panel on August 8, 2022. Mitochondrial DNA-specific ACMG/AMP criteria applied: PM2_supporting, PP1, PP3, PS4_supporting, PS3_supporting.

Variantyx, Inc.
Classification: Likely pathogenic for Primary mitochondrial disorders. Last evaluated: 2025-09-11. Review status: criteria provided, single submitter. Criteria: Variantyx Assertion Criteria 2022. Collection method: clinical testing. Allele origin: germline. Affected: yes. Not counted in ClinVar's aggregate classification.
Comment: The m.3258T>C change is a variant in the MT-TL1 gene which encodes the mitochondrial transfer RNA for leucine. Pathogenic variants in this gene have been associated with primary mitochondrial disorders. This variant has been reported in at least 4 unrelated affected individuals (PMID: 35088140, 23847141, 12798797, 11335700) (PS4_Moderate). Functional studies support a deleterious effect for this variant (PMID: 12798797) (PS3) and computational algorithms support a deleterious effect on the gene or gene product (Aggregate Predicted Severity Score: 1) (PP3). This variant is absent from control populations (PM2). Other reputable laboratories have reported this variant as pathogenic or likely pathogenic, and this classification has been validated by an expert panel in ClinVar (PP5). Based on the current evidence, this variant is classified as likely pathogenic for primary mitochondrial disorders.The clinical presentation associated with pathogenic mitochondrial variants is highly variable and depends on their tissue distribution and percentage of heteroplasmy.

Illumina Laboratory Services, Illumina
Classification: Likely pathogenic for Mitochondrial disease. Last evaluated: 2023-07-27. Review status: criteria provided, single submitter. Criteria: ICSLVariantClassificationCriteria RUGD 01 April 2020. Collection method: clinical testing. Allele origin: unknown. Not counted in ClinVar's aggregate classification.
Comment: The MT-TL1 m.3258T>C mitochondrial variant results in the substitution of thymidine at mitochondrial nucleotide position m.3258 with cytosine. This variant has been previously identified in three individuals with a phenotype consistent with primary mitochondrial disease (PMID: 11335700; PMID:12798797; PMID:23847141). A single-fiber study conducted using patient muscle tissue demonstrated a correlation between mitochondrial respiration and variant heteroplasmy (PMID: 12798797). This variant has been shown to segregate with disease in an affected family, with lower heteroplasmy levels associated with unaffected status (PMID: 12798797). This variant is not observed at a significant frequency in version 3.1.2 of the Genome Aggregation Database or in MITOMAP. Multiple lines of computational evidence suggest the variant may impact the gene or gene product. Based on the available evidence, the m.3258T>C variant is classified as likely pathogenic for primary mitochondrial disease.

Literature cited by the submitters: PubMed 11335700 (cited by Illumina Laboratory Services, Illumina); PubMed 12798797 (cited by Illumina Laboratory Services, Illumina); PubMed 23847141 (cited by Illumina Laboratory Services, Illumina).